The following is an entry in ClinVar:

NM_205861.3(DHDDS):c.850G>T (p.Glu284Ter)

Gene: DHDDS (dehydrodolichyl diphosphate synthase subunit; plus strand). Cytogenetic location: 1p36.11.
Variant type: single nucleotide variant.
Coding change: c.850G>T on transcript NM_205861.3 (MANE Select); coding-DNA position 850, G replaced by T.
Protein change: p.Glu284Ter; replaces glutamic acid 284 with a stop codon.
Molecular consequence: nonsense.
Genome position (GRCh38, 1-based): chr1:26,468,979, G>T. VCF-style: chr1-26468979-G-T. GRCh37 (hg19) VCF-style: chr1-26795470-G-T.
Other names: c.748G>T, p.Glu250Ter (NM_001243564.2); c.733G>T, p.Glu245Ter (NM_001243565.2); c.571G>T, p.Glu191Ter (NM_001319959.2); c.853G>T, p.Glu285Ter (NM_024887.4); short protein forms E191*, E245*, E250*, E284*, E285*.
Identifiers: ClinVar variation 2573961 (VCV002573961.2), dbSNP rs2524815326, ClinGen allele CA339145681.

ClinVar aggregate classification (germline): Uncertain significance (1 of 4 stars; one submission).

Submission:

GeneDx
Classification: Uncertain significance. Last evaluated: 2025-02-16. Review status: criteria provided, single submitter. Criteria: GeneDx Variant Classification Process June 2021. Collection method: clinical testing. Allele origin: germline.
Comment: Not observed at significant frequency in large population cohorts (gnomAD); Has not been previously published as pathogenic or benign to our knowledge; Nonsense variant predicted to result in protein truncation as the last 50 amino acid(s) are lost